The following continues an entry in ClinVar:

NM_000152.5(GAA):c.1064T>C (p.Leu355Pro)

Gene: GAA. ClinVar aggregate classification (germline): Pathogenic. Pathogenic (1).

Submissions 10 to 15 of 15:

Blueprint Genetics
Classification: Pathogenic for GAA-related disorders. Last evaluated: 2021-07-02. Review status: criteria provided, single submitter. Criteria: ACMG Guidelines, 2015. Collection method: clinical testing. Allele origin: germline. Affected: yes. Observed: 1 variant allele. Not counted in ClinVar's aggregate classification.

Women's Health and Genetics/Laboratory Corporation of America, LabCorp
Classification: Pathogenic for Glycogen storage disease, type II. Last evaluated: 2021-04-26. Review status: criteria provided, single submitter. Criteria: LabCorp Variant Classification Summary - May 2015. Collection method: clinical testing. Allele origin: germline. Not counted in ClinVar's aggregate classification.
Comment: Variant summary: GAA c.1064T>C (p.Leu355Pro) results in a non-conservative amino acid change in the encoded protein sequence. Four of five in-silico tools predict a damaging effect of the variant on protein function. The variant allele was found at a frequency of 8e-06 in 250882 control chromosomes (gnomAD). c.1064T>C has been reported in the literature in multiple compound heterozygote and homozygote individuals affected with Glycogen Storage Disease, Type 2 (Pompe Disease) (e.g. Hermans_2004, Pittis_2008, Nino_2012). One of these publications also reported experimental evidence evaluating an impact on protein function, and found the complete absence of enzyme activity and lack protein product in transiently transfected COS cells (Hermans_2004). These data indicate that the variant is very likely to be associated with disease. Four ClinVar submitters, including one expert panel (ClinGen), (evaluation after 2014) cite the variant as pathogenic. Based on the evidence outlined above, the variant was classified as pathogenic.

Revvity Omics, Revvity
Classification: Pathogenic. Last evaluated: 2020-02-24. Review status: criteria provided, single submitter. Criteria: ACMG Guidelines, 2015. Collection method: clinical testing. Allele origin: germline. Not counted in ClinVar's aggregate classification.

Broad Center for Mendelian Genomics, Broad Institute of MIT and Harvard
Classification: Pathogenic for Glycogen storage disease, type II. Last evaluated: 2020-01-22. Review status: criteria provided, single submitter. Criteria: ACMG Guidelines, 2015. Collection method: curation. Allele origin: germline. Inheritance: Autosomal recessive inheritance. Not counted in ClinVar's aggregate classification.
Comment: The p.Leu355Pro variant in GAA has been reported in 23 individuals (including 4 Italian, 4 Portuguese, 2 Israeli, 2 Columbian, 1 German, 1 Turkish, and 1 Syrian individuals) with Glycogen Storage Disease II, segregated with disease in 2 affected siblings from 1 family (PMID: 16917947, 14972326, 18429042, 17643989, 14695532, 17723315, 23632174, 23430493, 23787031, 24016645, 30023291, 17213836, 17573812, 30595407), and has also been reported pathogenic by Counsyl and EGL in ClinVar (Variation ID: 284093). This variant has been identified in 0.003% (1/34580) of Latino chromosomes and 0.001% (1/113290) of European (non-Finnish) chromosomes by the Genome Aggregation Database (gnomAD; dbSNP rs766074609). Although this variant has been seen in the general population, its frequency is low enough to be consistent with a recessive carrier frequency. In vitro functional studies with COS cells transfected with this variant provide some evidence that the p.Leu355Pro variant may impact GAA processing and activity (PMID: 14695532, 14972326). However, these types of assays may not accurately represent biological function. Computational prediction tools and conservation analyses suggest that this variant may impact the protein, though this information is not predictive enough to determine pathogenicity. The Leucine (Leu) at position 355 is not conserved in one mammal species and more evolutionary distant species, slightly raising the possibility that a change at this position may be tolerated. The presence of this variant in the homozygous state and in combination with pathogenic and likely variants, and in individuals with Glycogen Storage Disease II increases the likelihood that the p.Leu355Pro variant is pathogenic (PMID: 23430493, 24016645, 23632174, 17723315, 14972326). The phenotype of individuals homozygous and heterozygous for this variant is highly specific for Glycogen Storage Disease II based on reduced GAA activity in relevant tissues, consistent with disease (PMID: 23430493, 24016645, 23632174, 17723315, 14972326). In summary, this variant meets criteria to be classified as pathogenic for Glycogen Storage Disease II in an autosomal recessive manner based on in vitro functional studies with COS cells transfected with this variant and multiple occurrences with pathogenic or likely pathogenic variants in individuals with Glycogen Storage Disease II. ACMG/AMP Criteria applied: PS3, PM3_Strong, PM2, PP3, PP4 (Richards 2015).

Eurofins Ntd Llc (ga)
Classification: Pathogenic. Last evaluated: 2015-10-29. Review status: criteria provided, single submitter. Criteria: EGL Classification Definitions 2015. Collection method: clinical testing. Allele origin: germline. Observed: 1 variant allele, 1 heterozygote. Not counted in ClinVar's aggregate classification.

Counsyl
Classification: Pathogenic for Glycogen storage disease, type II. Last evaluated: 2016-05-19. Review status: no assertion criteria provided. Collection method: clinical testing. Allele origin: unknown. Not counted in ClinVar's aggregate classification.

Literature cited by the submitters: PubMed 39020349 (cited by Genomenon, Inc); PubMed 38958145 (cited by Genomenon, Inc); PubMed 34834457 (cited by Genomenon, Inc); PubMed 33228748 (cited by Genomenon, Inc); PubMed 31545528 (cited by Genomenon, Inc); PubMed 31193175 (cited by Genomenon, Inc); PubMed 30314719 (cited by Genomenon, Inc); PubMed 29356433 (cited by Genomenon, Inc); PubMed 30595407 (cited by Genomenon, Inc); PubMed 30023291 (cited by Genomenon, Inc); PubMed 14695532 (cited by 7 submitters); PubMed 19862843 (cited by Genomenon, Inc and 3billion); PubMed 14972326 (cited by 5 submitters); PubMed 18429042 (cited by 5 submitters); PubMed 23430493 (cited by 6 submitters); PubMed 23632174 (cited by 3 submitters); PubMed 24016645 (cited by 3 submitters); PubMed 23787031 (cited by 3 submitters); PubMed 19206169 (cited by Dasa); PubMed 30414707 (cited by Dasa); PubMed 17643989 (cited by Broad Center for Mendelian Genomics, Broad Institute of MIT and Harvard and Counsyl); PubMed 17723315 (cited by Broad Center for Mendelian Genomics, Broad Institute of MIT and Harvard); PubMed 16917947 (cited by Broad Center for Mendelian Genomics, Broad Institute of MIT and Harvard).